The following is an entry in ClinVar:

ClinVar aggregate classification (germline): Likely benign (1 of 4 stars; one submission).

Conditions:
PKD1L1-related disorder. Also called: PKD1L1-related condition.

Submission:

PreventionGenetics, part of Exact Sciences
Classification: Likely benign for PKD1L1-related condition. Last evaluated: 2026-09-21. Review status: criteria provided, single submitter. Criteria: ACMG Guidelines, 2015. Collection method: clinical testing. Allele origin: germline.
Comment: This variant is classified as likely benign based on ACMG/AMP sequence variant interpretation guidelines (Richards et al. 2015 PMID: 25741868, with internal and published modifications).

NM_138295.5(PKD1L1):c.2370A>G (p.Leu790=)

Gene: PKD1L1 (polycystin 1 like 1, transient receptor potential channel interacting; minus strand). Cytogenetic location: 7p12.3.
Variant type: single nucleotide variant.
Coding change: c.2370A>G on transcript NM_138295.5 (MANE Select); coding-DNA position 2370, A replaced by G.
Protein change: p.Leu790=; no amino-acid change (leucine 790 retained).
Molecular consequence: synonymous variant.
Genome position (GRCh38, 1-based): chr7:47,893,961, T>C on the plus strand (A>G on the coding strand, the complement: PKD1L1 is on the minus strand). VCF-style: chr7-47893961-T-C. GRCh37 (hg19) VCF-style: chr7-47933558-T-C.
Identifiers: ClinVar variation 4987513 (VCV004987513.1).